The following is an entry in ClinVar:

NM_000540.3(RYR1):c.5910G>C (p.Gln1970His)

Gene: RYR1 (ryanodine receptor 1; plus strand). Cytogenetic location: 19q13.2.
Variant type: single nucleotide variant.
Coding change: c.5910G>C on transcript NM_000540.3 (MANE Select); coding-DNA position 5910, G replaced by C.
Protein change: p.Gln1970His; replaces glutamine 1970 with histidine.
Molecular consequence: missense variant.
Genome position (GRCh38, 1-based): chr19:38,490,171, G>C. VCF-style: chr19-38490171-G-C. GRCh37 (hg19) VCF-style: chr19-38980811-G-C.
Other names: c.5910G>C, p.Gln1970His (NM_001042723.2); short protein forms Q1970H.
Identifiers: ClinVar variation 436625 (VCV000436625.8), dbSNP rs1555780327, ClinGen allele CA405660469.

ClinVar aggregate classification (germline): Conflicting classifications of pathogenicity. Review status: criteria provided, conflicting classifications (1 of 4 stars). 3 submissions from 3 submitters: Likely pathogenic (1); Uncertain significance (2). Last evaluated 2026-01-27.

Conditions:
RYR1-related disorder. Also called: RYR1-related condition; RYR1-related disorders. Identifiers: MedGen CN239331.

gnomAD v4.1: 1 of 1,614,236 alleles (0.000062%); no homozygotes.

Submissions (3):

Labcorp Genetics (formerly Invitae), Labcorp
Classification: Uncertain significance for RYR1-related disorder. Last evaluated: 2026-01-27. Review status: criteria provided, single submitter. Criteria: Invitae Variant Classification Sherloc (09022015). Collection method: clinical testing. Allele origin: germline.
Comment: This sequence change replaces glutamine, which is neutral and polar, with histidine, which is basic and polar, at codon 1970 of the RYR1 protein (p.Gln1970His). This variant is not present in population databases (gnomAD no frequency). This variant has not been reported in the literature in individuals affected with RYR1-related conditions. ClinVar contains an entry for this variant (Variation ID: 436625). Invitae Evidence Modeling of protein sequence and biophysical properties (such as structural, functional, and spatial information, amino acid conservation, physicochemical variation, residue mobility, and thermodynamic stability) indicates that this missense variant is expected to disrupt RYR1 protein function with a positive predictive value of 80%. In summary, the available evidence is currently insufficient to determine the role of this variant in disease. Therefore, it has been classified as a Variant of Uncertain Significance.

Women's Health and Genetics/Laboratory Corporation of America, LabCorp
Classification: Uncertain significance. Last evaluated: 2024-09-24. Review status: criteria provided, single submitter. Criteria: LabCorp Variant Classification Summary - May 2015. Collection method: clinical testing. Allele origin: germline.
Comment: Variant summary: RYR1 c.5910G>C (p.Gln1970His) results in a non-conservative amino acid change located in the Ryanodine receptor, junctional solenoid domain (IPR048581) of the encoded protein sequence. Five of five in-silico tools predict a damaging effect of the variant on protein function. The variant was absent in 251370 control chromosomes. The available data on variant occurrences in the general population are insufficient to allow any conclusion about variant significance. To our knowledge, no occurrence of c.5910G>C in individuals affected with RYR1-related conditions and no experimental evidence demonstrating its impact on protein function have been reported. ClinVar contains an entry for this variant (Variation ID: 436625). Based on the evidence outlined above, the variant was classified as uncertain significance.

Genetic Services Laboratory, University of Chicago
Classification: Likely pathogenic. Last evaluated: 2016-07-15. Review status: criteria provided, single submitter. Criteria: ACMG Guidelines, 2015. Collection method: clinical testing. Allele origin: germline. Affected: yes.